The following is an entry in ClinVar:

ClinVar aggregate classification (germline): Uncertain significance (1 of 4 stars; one submission).

Conditions:
Nemaline myopathy 2 (NEM2). Also called: Nemaline myopathy 2, autosomal recessive. Identifiers: MedGen C1850569, MONDO:0009725, OMIM 256030.

Submission:

Labcorp Genetics (formerly Invitae), Labcorp
Classification: Uncertain significance for Nemaline myopathy 2. Last evaluated: 2022-08-08. Review status: criteria provided, single submitter. Criteria: Invitae Variant Classification Sherloc (09022015). Collection method: clinical testing. Allele origin: germline.
Comment: This sequence change replaces valine, which is neutral and non-polar, with alanine, which is neutral and non-polar, at codon 8317 of the NEB protein (p.Val8317Ala). This variant is not present in population databases (gnomAD no frequency). This variant has not been reported in the literature in individuals affected with NEB-related conditions. Algorithms developed to predict the effect of missense changes on protein structure and function are either unavailable or do not agree on the potential impact of this missense change (SIFT: "Deleterious"; PolyPhen-2: "Not Available"; Align-GVGD: "Class C0"). In summary, the available evidence is currently insufficient to determine the role of this variant in disease. Therefore, it has been classified as a Variant of Uncertain Significance.

NM_001164508.2(NEB):c.24845T>C (p.Val8282Ala)

Genes: NEB (nebulin; minus strand), RIF1 (replication timing regulatory factor 1; plus strand). Cytogenetic location: 2q23.3.
Variant type: single nucleotide variant.
Coding change: c.24845T>C on transcript NM_001164508.2 (MANE Select); coding-DNA position 24845, T replaced by C.
Protein change: p.Val8282Ala; replaces valine 8282 with alanine.
Molecular consequence: missense variant.
Genome position (GRCh38, 1-based): chr2:151,492,415, A>G on the plus strand (T>C on the coding strand, the complement: NEB is on the minus strand). VCF-style: chr2-151492415-A-G. GRCh37 (hg19) VCF-style: chr2-152348929-A-G.
Other names: c.24845T>C, p.Val8282Ala (NM_001164507.2); c.24950T>C, p.Val8317Ala (NM_001271208.2); c.19277T>C, p.Val6426Ala (NM_004543.5); short protein forms V6426A, V8282A, V8317A.
Identifiers: ClinVar variation 1715666 (VCV001715666.3), dbSNP rs1234638387, ClinGen allele CA348774162.